The following is an entry in ClinVar:

ClinVar aggregate classification (germline): Conflicting classifications of pathogenicity. Review status: criteria provided, conflicting classifications (1 of 4 stars). 4 submissions from 4 submitters: Uncertain significance (3); Likely benign (1). Last evaluated 2026-07-01.

Conditions:
Inborn genetic diseases. Identifiers: MedGen C0950123, MeSH D030342.

Allele frequency attached by ClinVar (database versions not stated): gnomAD exomes 0.00004; gnomAD 0.00011; 1000 Genomes Project 30x 0.00016; TOPMed 0.00019.
gnomAD v4.1: 78 of 1,538,730 alleles (0.0051%); highest among the groups gnomAD compares: African/African-American, 0.041%; no homozygotes.

Submissions (4):

CeGaT Center for Human Genetics Tuebingen
Classification: Uncertain significance. Last evaluated: 2026-07-01. Review status: criteria provided, single submitter. Criteria: CeGaT Center For Human Genetics Tuebingen Variant Classification Criteria Version 2. Collection method: clinical testing. Allele origin: germline. Affected: yes. Observed: 1 variant allele.
Comment: KCNC3: PP3

Labcorp Genetics (formerly Invitae), Labcorp
Classification: Likely benign. Last evaluated: 2025-03-03. Review status: criteria provided, single submitter. Criteria: Invitae Variant Classification Sherloc (09022015). Collection method: clinical testing. Allele origin: germline.

Ambry Genetics
Classification: Uncertain significance for Inborn genetic diseases. Last evaluated: 2023-07-05. Review status: criteria provided, single submitter. Criteria: Ambry Variant Classification Scheme 2023. Collection method: clinical testing. Allele origin: germline.

Athena Diagnostics
Classification: Uncertain significance. Last evaluated: 2021-08-17. Review status: criteria provided, single submitter. Criteria: Athena Diagnostics Criteria. Collection method: clinical testing. Allele origin: unknown.

NM_004977.3(KCNC3):c.1883C>T (p.Ala628Val)

Gene: KCNC3 (potassium voltage-gated channel subfamily C member 3; minus strand). Cytogenetic location: 19q13.33.
Variant type: single nucleotide variant.
Coding change: c.1883C>T on transcript NM_004977.3 (MANE Select); coding-DNA position 1883, C replaced by T.
Protein change: p.Ala628Val; replaces alanine 628 with valine.
Molecular consequence: missense variant.
Genome position (GRCh38, 1-based): chr19:50,323,070, G>A on the plus strand (C>T on the coding strand, the complement: KCNC3 is on the minus strand). VCF-style: chr19-50323070-G-A. GRCh37 (hg19) VCF-style: chr19-50826327-G-A.
Other names: c.1655C>T, p.Ala552Val (NM_001372305.1); short protein forms A552V, A628V.
Identifiers: ClinVar variation 1806879 (VCV001806879.9), dbSNP rs927538730, ClinGen allele CA309572544.